The following is an entry in ClinVar:

NM_000081.4(LYST):c.7910C>T (p.Thr2637Met)

Gene: LYST (lysosomal trafficking regulator; minus strand). Cytogenetic location: 1q42.3.
Variant type: single nucleotide variant.
Coding change: c.7910C>T on transcript NM_000081.4 (MANE Select); coding-DNA position 7910, C replaced by T.
Protein change: p.Thr2637Met; replaces threonine 2637 with methionine.
Molecular consequence: missense variant.
Genome position (GRCh38, 1-based): chr1:235,746,398, G>A on the plus strand (C>T on the coding strand, the complement: LYST is on the minus strand). VCF-style: chr1-235746398-G-A. GRCh37 (hg19) VCF-style: chr1-235909698-G-A.
Other names: c.7910C>T, p.Thr2637Met (NM_001301365.1); short protein forms T2637M.
Identifiers: ClinVar variation 966845 (VCV000966845.5), dbSNP rs747449153, ClinGen allele CA1465998.
Genomic context (GRCh38, chr1:235,746,398, plus strand): 5'-TGATAAATAATCCTGTTGACTGCTAAAACAGTGAGCCTCTGTAGTCTCTGCGCAAGTTCC[G>A]TTTCAGTTGCTTGGCTAGGGTTCTCTTGGCTCATTCTCCGTTGCATCATCACATGAAGCT-3'
Protein context (NP_000072.2, residues 2627-2647): SQENPSQATE[Thr2637Met]ELAQRLQRLT

ClinVar aggregate classification (germline): Uncertain significance. Review status: criteria provided, single submitter (1 of 4 stars). 2 submissions from 2 submitters: Uncertain significance (1). 1 of the submissions does not count toward it. Last evaluated 2022-11-01.

Conditions:
EBV-positive nodal T- and NK-cell lymphoma.
Chédiak-Higashi syndrome (CHS). Also called: Chediak-Higashi Syndrome. Identifiers: Orphanet 167, MedGen C0007965, MONDO:0008963, OMIM 214500.

Allele frequency attached by ClinVar (database versions not stated): ExAC 0.00005; gnomAD 0.00007.
gnomAD v4.1: 84 of 1,613,764 alleles (0.0052%); highest among the groups gnomAD compares: Middle Eastern, 0.099%; no homozygotes.

Submissions (2):

Labcorp Genetics (formerly Invitae), Labcorp
Classification: Uncertain significance for Chédiak-Higashi syndrome. Last evaluated: 2022-11-01. Review status: criteria provided, single submitter. Criteria: Invitae Variant Classification Sherloc (09022015). Collection method: clinical testing. Allele origin: germline.
Comment: This sequence change replaces threonine, which is neutral and polar, with methionine, which is neutral and non-polar, at codon 2637 of the LYST protein (p.Thr2637Met). This variant is present in population databases (rs747449153, gnomAD 0.009%). This variant has not been reported in the literature in individuals affected with LYST-related conditions. ClinVar contains an entry for this variant (Variation ID: 966845). Advanced modeling of protein sequence and biophysical properties (such as structural, functional, and spatial information, amino acid conservation, physicochemical variation, residue mobility, and thermodynamic stability) performed at Invitae indicates that this missense variant is not expected to disrupt LYST protein function. In summary, the available evidence is currently insufficient to determine the role of this variant in disease. Therefore, it has been classified as a Variant of Uncertain Significance.

Department of Clinical Pathology, School of Medicine, Fujita Health University
Classification: Likely benign for EBV-positive nodal T- and NK-cell lymphoma. Review status: no assertion criteria provided. Collection method: research. Allele origin: unknown. Affected: yes. Not counted in ClinVar's aggregate classification.